The following is an entry in ClinVar:

NM_015338.6(ASXL1):c.3617C>T (p.Ala1206Val)

Gene: ASXL1 (ASXL transcriptional regulator 1; plus strand). Cytogenetic location: 20q11.21.
Variant type: single nucleotide variant.
Coding change: c.3617C>T on transcript NM_015338.6 (MANE Select); coding-DNA position 3617, C replaced by T.
Protein change: p.Ala1206Val; replaces alanine 1206 with valine.
Molecular consequence: missense variant.
Genome position (GRCh38, 1-based): chr20:32,436,329, C>T. VCF-style: chr20-32436329-C-T. GRCh37 (hg19) VCF-style: chr20-31024132-C-T.
Other names: c.3434C>T, p.Ala1145Val (NM_001363734.1); short protein forms A1145V, A1206V.
Identifiers: ClinVar variation 3622769 (VCV003622769.2).

ClinVar aggregate classification (germline): Uncertain significance (1 of 4 stars; one submission).

gnomAD v4.1: 44 of 1,614,000 alleles (0.0027%); highest among the groups gnomAD compares: Non-Finnish European, 0.0036%; no homozygotes.

Submission:

Labcorp Genetics (formerly Invitae), Labcorp
Classification: Uncertain significance. Last evaluated: 2024-04-12. Review status: criteria provided, single submitter. Criteria: Invitae Variant Classification Sherloc (09022015). Collection method: clinical testing. Allele origin: germline.
Comment: This sequence change replaces alanine, which is neutral and non-polar, with valine, which is neutral and non-polar, at codon 1206 of the ASXL1 protein (p.Ala1206Val). This variant is not present in population databases (gnomAD no frequency). This variant has not been reported in the literature in individuals affected with ASXL1-related conditions. Algorithms developed to predict the effect of missense changes on protein structure and function output the following: SIFT: "Not Available"; PolyPhen-2: "Benign"; Align-GVGD: "Not Available". The valine amino acid residue is found in multiple mammalian species, which suggests that this missense change does not adversely affect protein function. In summary, the available evidence is currently insufficient to determine the role of this variant in disease. Therefore, it has been classified as a Variant of Uncertain Significance.